The following is an entry in ClinVar:

ClinVar aggregate classification (germline): Uncertain significance (1 of 4 stars; one submission).

Conditions:
Ehlers-Danlos syndrome, classic type, 1 (EDSCL1). Also called: EHLERS-DANLOS SYNDROME, GRAVIS TYPE; EHLERS-DANLOS SYNDROME, SEVERE CLASSIC TYPE; Ehlers-Danlos syndrome, type 1; Ehlers-Danlos Syndrome, Classic Type, COL5A1-Related; EDS I. Identifiers: MedGen C0268335, MONDO:0019567, OMIM 130000.

gnomAD v4.1: 2 of 1,614,068 alleles (0.00012%); highest among the groups gnomAD compares: Non-Finnish European, 0.00017%; no homozygotes.

Submission:

Labcorp Genetics (formerly Invitae), Labcorp
Classification: Uncertain significance for Ehlers-Danlos syndrome, classic type, 1. Last evaluated: 2024-02-21. Review status: criteria provided, single submitter. Criteria: Invitae Variant Classification Sherloc (09022015). Collection method: clinical testing. Allele origin: germline.
Comment: This sequence change replaces alanine, which is neutral and non-polar, with threonine, which is neutral and polar, at codon 1557 of the COL5A1 protein (p.Ala1557Thr). This variant is not present in population databases (gnomAD no frequency). This variant has not been reported in the literature in individuals affected with COL5A1-related conditions. Advanced modeling of protein sequence and biophysical properties (such as structural, functional, and spatial information, amino acid conservation, physicochemical variation, residue mobility, and thermodynamic stability) performed at Invitae indicates that this missense variant is not expected to disrupt COL5A1 protein function with a negative predictive value of 95%. In summary, the available evidence is currently insufficient to determine the role of this variant in disease. Therefore, it has been classified as a Variant of Uncertain Significance.

NM_000093.5(COL5A1):c.4669G>A (p.Ala1557Thr)

Genes: COL5A1 (collagen type V alpha 1 chain; plus strand), LOC101448202 (uncharacterized LOC101448202; minus strand). Cytogenetic location: 9q34.3.
Variant type: single nucleotide variant.
Coding change: c.4669G>A on transcript NM_000093.5 (MANE Select); coding-DNA position 4669, G replaced by A.
Protein change: p.Ala1557Thr; replaces alanine 1557 with threonine.
Molecular consequence: missense variant.
Genome position (GRCh38, 1-based): chr9:134,823,440, G>A. VCF-style: chr9-134823440-G-A. GRCh37 (hg19) VCF-style: chr9-137715286-G-A.
Other names: c.4669G>A, p.Ala1557Thr (NM_001278074.1); short protein forms A1557T.
Identifiers: ClinVar variation 3642372 (VCV003642372.2).